The following is an entry in ClinVar:

NM_000288.4(PEX7):c.66C>T (p.Ala22=)

Gene: PEX7 (peroxisomal biogenesis factor 7; plus strand). Cytogenetic location: 6q23.3.
Variant type: single nucleotide variant.
Coding change: c.66C>T on transcript NM_000288.4 (MANE Select); coding-DNA position 66, C replaced by T.
Protein change: p.Ala22=; no amino-acid change (alanine 22 retained).
Molecular consequence: synonymous variant.
Genome position (GRCh38, 1-based): chr6:136,822,731, C>T. VCF-style: chr6-136822731-C-T. GRCh37 (hg19) VCF-style: chr6-137143869-C-T.
Other names: c.66C>T (NM_000288.3).
Identifiers: ClinVar variation 1586419 (VCV001586419.11), dbSNP rs1208528237, ClinGen allele CA452374698.

ClinVar aggregate classification (germline): Likely benign. Review status: criteria provided, multiple submitters, no conflicts (2 of 4 stars). 3 submissions from 3 submitters: Likely benign (2). 1 of the submissions does not count toward it. Last evaluated 2023-08-28.

Conditions:
PEX7-related disorder. Also called: PEX7-related disorders; PEX7-related condition. Identifiers: MedGen CN239409.
Peroxisome biogenesis disorder 9B. Also called: Refsum disease, adult, 2; PEX7-Related Refsum Disease; PEROXISOME BIOGENESIS DISORDER, PEX7-RELATED, ATYPICAL. Identifiers: Orphanet 773, MedGen C2749346, MONDO:0013945, OMIM 614879.

Allele frequency attached by ClinVar (database versions not stated): TOPMed 0.00001.
gnomAD v4.1: 2 of 1,512,594 alleles (0.00013%); highest among the groups gnomAD compares: Non-Finnish European, 0.000088%; no homozygotes.

Submissions (3):

Labcorp Genetics (formerly Invitae), Labcorp
Classification: Likely benign for Peroxisome biogenesis disorder 9B. Last evaluated: 2023-08-28. Review status: criteria provided, single submitter. Criteria: Invitae Variant Classification Sherloc (09022015). Collection method: clinical testing. Allele origin: germline.

Blueprint Genetics
Classification: Likely benign. Last evaluated: 2022-11-03. Review status: criteria provided, single submitter. Criteria: ACMG Guidelines, 2015. Collection method: clinical testing. Allele origin: germline.

PreventionGenetics, part of Exact Sciences
Classification: Likely benign for PEX7-related condition. Last evaluated: 2023-02-14. Review status: no assertion criteria provided. Collection method: clinical testing. Allele origin: germline. Not counted in ClinVar's aggregate classification.
Comment: This variant is classified as likely benign based on ACMG/AMP sequence variant interpretation guidelines (Richards et al. 2015 PMID: 25741868, with internal and published modifications).